The following is an entry in ClinVar:

ClinVar aggregate classification (germline): Benign. Review status: criteria provided, multiple submitters, no conflicts (2 of 4 stars). 2 submissions from 2 submitters: Benign (2). Last evaluated 2025-09-24.

Submissions (2):

Women's Health and Genetics/Laboratory Corporation of America, LabCorp
Classification: Benign. Last evaluated: 2025-09-24. Review status: criteria provided, single submitter. Criteria: LabCorp Variant Classification Summary - May 2015. Collection method: clinical testing. Allele origin: germline.
Comment: Variant summary: AGXT c.165+58_165+59ins73 is located at a position not widely known to affect splicing. Several computational tools predict a significant impact on normal splicing: Four predict the variant creates a 3' acceptor site. However, these predictions have yet to be confirmed by functional studies. The variant allele was found at a frequency of 0.024 in 30086 control chromosomes in the gnomAD database, including 24 homozygotes. The observed variant frequency exceeds the estimated maximal expected allele frequency for disease-causing variants in AGXT. To our knowledge, no occurrence of c.165+58_165+59ins73 in individuals affected with AGXT-related conditions and no experimental evidence demonstrating its impact on protein function have been reported. ClinVar contains an entry for this variant (Variation ID: 1288193). Based on the evidence outlined above, the variant was classified as benign.

GeneDx
Classification: Benign. Last evaluated: 2019-06-18. Review status: criteria provided, single submitter. Criteria: GeneDx Variant Classification Process June 2021. Collection method: clinical testing. Allele origin: germline. Affected: yes.

NM_000030.3(AGXT):c.165+58_165+59insACGGAAGAGGGGAGGGGTCACTGCTTCCTCACTCGGGGGGCCTGGGTCTCACCCCTGTACCCACCCACAGATC

Gene: AGXT (alanine--glyoxylate aminotransferase; plus strand). Cytogenetic location: 2q37.3.
Variant type: Microsatellite.
Coding change: c.165+58_165+59insACGGAAGAGGGGAGGGGTCACTGCTTCCTCACTCGGGGGGCCTGGGTCTCACCCCTGTACCCACCCACAGATC on transcript NM_000030.3 (MANE Select); bases 58 to 59 of the intron after coding-DNA position 165, ACGGAAGAGGGGAGGGGTCACTGCTTCCTCACTCGGGGGGCCTGGGTCTCACCCCTGTACCCACCCACAGATC inserted.
Molecular consequence: intron variant.
Genome position: GRCh38: chr2:240,869,075-240,869,088. GRCh37 (hg19): chr2:241,808,492-241,808,505.
Identifiers: ClinVar variation 1288193 (VCV001288193.2).